The following is an entry in ClinVar:

ClinVar aggregate classification (germline): Uncertain significance. Review status: criteria provided, single submitter (1 of 4 stars). 2 submissions from 2 submitters: Uncertain significance (1). 1 of the submissions does not count toward it. Last evaluated 2021-09-17.

Conditions:
NCOA1-related disorder. Also called: NCOA1-related condition.

Allele frequency attached by ClinVar (database versions not stated): ExAC 0.00002; ESP Exome Variant Server 0.00008.
gnomAD v4.1: 28 of 1,614,096 alleles (0.0017%); highest among the groups gnomAD compares: East Asian, 0.011%; no homozygotes.

Submissions (2):

Ambry Genetics
Classification: Uncertain significance. Last evaluated: 2021-09-17. Review status: criteria provided, single submitter. Criteria: Ambry Variant Classification Scheme 2023. Collection method: clinical testing. Allele origin: germline.

PreventionGenetics, part of Exact Sciences
Classification: Uncertain significance for NCOA1-related condition. Last evaluated: 2024-07-02. Review status: no assertion criteria provided. Collection method: clinical testing. Allele origin: germline. Not counted in ClinVar's aggregate classification.
Comment: The NCOA1 c.1280A>C variant is predicted to result in the amino acid substitution p.His427Pro. To our knowledge, this variant has not been reported in the literature. This variant is reported in 0.011% of alleles in individuals of East Asian descent in gnomAD. At this time, the clinical significance of this variant is uncertain due to the absence of conclusive functional and genetic evidence.

NM_003743.5(NCOA1):c.1280A>C (p.His427Pro)

Gene: NCOA1 (nuclear receptor coactivator 1; plus strand). Cytogenetic location: 2p23.3.
Variant type: single nucleotide variant.
Coding change: c.1280A>C on transcript NM_003743.5 (MANE Select); coding-DNA position 1280, A replaced by C.
Protein change: p.His427Pro; replaces histidine 427 with proline.
Molecular consequence: missense variant.
Genome position (GRCh38, 1-based): chr2:24,706,750, A>C. VCF-style: chr2-24706750-A-C. GRCh37 (hg19) VCF-style: chr2-24929619-A-C.
Other names: c.1280A>C, p.His427Pro (NM_001362950.1, NM_001362952.1, NM_001362954.1 and 3 more transcripts); short protein forms H427P.
Identifiers: ClinVar variation 2251324 (VCV002251324.3), dbSNP rs149553409, ClinGen allele CA1552227.
Genomic context (GRCh38, chr2:24,706,750, plus strand): 5'-CACCATCCAACAGCAACATGGTATCCACCAGAATAAACCGCCAGCAGAGCTCAGACCTTC[A>C]TAGCAGCAGTCATAGTAATTCTAGCAACAGCCAAGGAAGTTTCGGATGCTCACCCGGAAG-3'
Protein context (NP_003734.3, residues 417-437): RINRQQSSDL[His427Pro]SSSHSNSSNS